The following is an entry in ClinVar:

NC_000021.8:g.(?_34799171)_(34809289_?)dup

Genes: IFNGR2 (interferon gamma receptor 2; plus strand), TMEM50B (transmembrane protein 50B; minus strand). Cytogenetic location: 21q22.11.
Variant type: Duplication.
Identifiers: ClinVar variation 650195 (VCV000650195.7).

ClinVar aggregate classification (germline): Uncertain significance (1 of 4 stars; one submission).

Conditions:
Immunodeficiency 28 (IMD28). Also called: IFNGR2 DEFICIENCY. Identifiers: Orphanet 319547, Orphanet 319574, MedGen C4013947, MONDO:0013953, OMIM 614889.

Submission:

Labcorp Genetics (formerly Invitae), Labcorp
Classification: Uncertain significance for Immunodeficiency 28. Last evaluated: 2018-10-11. Review status: criteria provided, single submitter. Criteria: Invitae Variant Classification Sherloc (09022015). Collection method: clinical testing. Allele origin: germline.
Comment: In summary, the available evidence is currently insufficient to determine the role of this variant in disease. Therefore, it has been classified as a Variant of Uncertain Significance. This variant has not been reported in the literature in individuals with IFNGR2-related disease. This variant results in a copy number gain of the genomic region encompassing exons 4-7 of the IFNGR2 gene. The 5' boundary is likely confined to intron 3. The 3' end of this event is unknown as it extends beyond the assayed region for this gene and therefore may encompass additional genes. As the precise location of this event is unknown, it may be in tandem or it may be located elsewhere in the genome.